The following is an entry in ClinVar:

ClinVar aggregate classification (germline): Uncertain significance (1 of 4 stars; one submission).

Conditions:
Glycine encephalopathy. Also called: Non-ketotic hyperglycinemia; Nonketotic hyperglycinemia. Identifiers: Orphanet 407, MedGen C0751748, MONDO:0011612, HP:0008288.

gnomAD v4.1: 12 of 1,611,360 alleles (0.00074%); highest among the groups gnomAD compares: Non-Finnish European, 0.001%; no homozygotes.

Submission:

Labcorp Genetics (formerly Invitae), Labcorp
Classification: Uncertain significance for Glycine encephalopathy. Last evaluated: 2021-09-01. Review status: criteria provided, single submitter. Criteria: Invitae Variant Classification Sherloc (09022015). Collection method: clinical testing. Allele origin: germline.
Comment: This sequence change replaces histidine with glutamine at codon 997 of the GLDC protein (p.His997Gln). The histidine residue is moderately conserved and there is a small physicochemical difference between histidine and glutamine. This variant is not present in population databases (ExAC no frequency). This variant has not been reported in the literature in individuals affected with GLDC-related conditions. Algorithms developed to predict the effect of missense changes on protein structure and function are either unavailable or do not agree on the potential impact of this missense change (SIFT: "Deleterious"; PolyPhen-2: "Benign"; Align-GVGD: "Class C0"). In summary, the available evidence is currently insufficient to determine the role of this variant in disease. Therefore, it has been classified as a Variant of Uncertain Significance.

NM_000170.3(GLDC):c.2991C>A (p.His997Gln)

Gene: GLDC (glycine decarboxylase; minus strand). Cytogenetic location: 9p24.1.
Variant type: single nucleotide variant.
Coding change: c.2991C>A on transcript NM_000170.3 (MANE Select); coding-DNA position 2991, C replaced by A.
Protein change: p.His997Gln; replaces histidine 997 with glutamine.
Molecular consequence: missense variant.
Genome position (GRCh38, 1-based): chr9:6,533,089, G>T on the plus strand (C>A on the coding strand, the complement: GLDC is on the minus strand). VCF-style: chr9-6533089-G-T. GRCh37 (hg19) VCF-style: chr9-6533089-G-T.
Other names: short protein forms H997Q.
Identifiers: ClinVar variation 565586 (VCV000565586.3), dbSNP rs757398632, ClinGen allele CA372881634.